The following is an entry in ClinVar:

NM_006133.3(DAGLA):c.2666C>T (p.Pro889Leu)

Gene: DAGLA (diacylglycerol lipase alpha; plus strand). Cytogenetic location: 11q12.2.
Variant type: single nucleotide variant.
Coding change: c.2666C>T on transcript NM_006133.3 (MANE Select); coding-DNA position 2666, C replaced by T.
Protein change: p.Pro889Leu; replaces proline 889 with leucine.
Molecular consequence: missense variant.
Genome position (GRCh38, 1-based): chr11:61,744,026, C>T. VCF-style: chr11-61744026-C-T. GRCh37 (hg19) VCF-style: chr11-61511498-C-T.
Other names: short protein forms P889L.
Identifiers: ClinVar variation 3059923 (VCV003059923.2), dbSNP rs3741252, ClinGen allele CA6037243.

ClinVar aggregate classification (germline): Benign (0 of 4 stars; one submission).

Conditions:
DAGLA-related disorder. Also called: DAGLA-related condition.

Allele frequency attached by ClinVar (database versions not stated): gnomAD exomes 0.07853; ExAC 0.10834; ESP Exome Variant Server 0.12614; gnomAD 0.13291; TOPMed 0.13443; 1000 Genomes Project 30x 0.17317; 1000 Genomes Project 0.17891.
gnomAD v4.1: 135,238 of 1,611,926 alleles (8.4%); highest among the groups gnomAD compares: East Asian, 34%; 9,497 homozygotes.

Submission:

PreventionGenetics, part of Exact Sciences
Classification: Benign for DAGLA-related condition. Last evaluated: 2019-10-27. Review status: no assertion criteria provided. Collection method: clinical testing. Allele origin: germline.
Comment: This variant is classified as benign based on ACMG/AMP sequence variant interpretation guidelines (Richards et al. 2015 PMID: 25741868, with internal and published modifications).